The following is an entry in ClinVar:

ClinVar aggregate classification (germline): Uncertain significance (1 of 4 stars; one submission).

Submission:

Labcorp Genetics (formerly Invitae), Labcorp
Classification: Uncertain significance. Last evaluated: 2023-09-11. Review status: criteria provided, single submitter. Criteria: Invitae Variant Classification Sherloc (09022015). Collection method: clinical testing. Allele origin: germline.
Comment: This sequence change replaces glutamic acid, which is acidic and polar, with glycine, which is neutral and non-polar, at codon 24 of the ATR protein (p.Glu24Gly). This variant is not present in population databases (gnomAD no frequency). This variant has not been reported in the literature in individuals affected with ATR-related conditions. An algorithm developed to predict the effect of missense changes on protein structure and function (PolyPhen-2) suggests that this variant is likely to be tolerated. In summary, the available evidence is currently insufficient to determine the role of this variant in disease. Therefore, it has been classified as a Variant of Uncertain Significance.

NM_001184.4(ATR):c.71A>G (p.Glu24Gly)

Gene: ATR (ATR checkpoint kinase; minus strand). Cytogenetic location: 3q23.
Variant type: single nucleotide variant.
Coding change: c.71A>G on transcript NM_001184.4 (MANE Select); coding-DNA position 71, A replaced by G.
Protein change: p.Glu24Gly; replaces glutamic acid 24 with glycine.
Molecular consequence: missense variant.
Genome position (GRCh38, 1-based): chr3:142,568,143, T>C on the plus strand (A>G on the coding strand, the complement: ATR is on the minus strand). VCF-style: chr3-142568143-T-C. GRCh37 (hg19) VCF-style: chr3-142286985-T-C.
Other names: c.71A>G, p.Glu24Gly (NM_001354579.2); short protein forms E24G.
Identifiers: ClinVar variation 2760063 (VCV002760063.3), dbSNP rs2473446421, ClinGen allele CA354829123.